The following is an entry in ClinVar:

ClinVar aggregate classification (germline): Uncertain significance. Review status: criteria provided, multiple submitters, no conflicts (2 of 4 stars). 5 submissions from 5 submitters: Uncertain significance (5). Last evaluated 2025-10-21.

Conditions:
ATM-related disorder. Also called: ATM-related disorders; ATM-related condition.
Hereditary cancer-predisposing syndrome. Also called: Neoplastic Syndromes, Hereditary; Tumor predisposition; Hereditary Cancer Syndrome; Hereditary neoplastic syndrome. Identifiers: Orphanet 140162, MedGen C0027672, MeSH D009386, MONDO:0015356.
Ataxia-telangiectasia syndrome (AT). Also called: LOUIS-BAR SYNDROME; Cerebello-oculocutaneous telangiectasia; Immunodeficiency with ataxia telangiectasia; Ataxia-telangiectasia, complementation group D; Ataxia-telangiectasia, complementation group E; Ataxia telangiectasia (A-T). Identifiers: Orphanet 100, MedGen C0004135, MONDO:0008840, OMIM 208900.

Allele frequency attached by ClinVar (database versions not stated): gnomAD 0.00001; gnomAD exomes 0.00001; TOPMed 0.00001.
gnomAD v4.1: 9 of 1,613,470 alleles (0.00056%); highest among the groups gnomAD compares: Non-Finnish European, 0.00076%; no homozygotes.

Submissions (5):

PreventionGenetics, part of Exact Sciences
Classification: Uncertain significance for ATM-related condition. Last evaluated: 2025-10-21. Review status: criteria provided, single submitter. Criteria: ACMG Guidelines, 2015. Collection method: clinical testing. Allele origin: germline.
Comment: The ATM c.5250G>T variant is predicted to result in the amino acid substitution p.Trp1750Cys. To our knowledge, this variant has not been reported in the literature or in a large population database (gnomAD), indicating this variant is rare. This variant is classified as uncertain in ClinVar (Variation ID: 127404). At this time, the clinical significance of this variant is uncertain due to the absence of conclusive functional and genetic evidence.

Labcorp Genetics (formerly Invitae), Labcorp
Classification: Uncertain significance for Ataxia-telangiectasia syndrome. Last evaluated: 2025-06-22. Review status: criteria provided, single submitter. Criteria: Invitae Variant Classification Sherloc (09022015). Collection method: clinical testing. Allele origin: germline.
Comment: This sequence change replaces tryptophan, which is neutral and slightly polar, with cysteine, which is neutral and slightly polar, at codon 1750 of the ATM protein (p.Trp1750Cys). This variant is not present in population databases (gnomAD no frequency). This variant has not been reported in the literature in individuals affected with ATM-related conditions. ClinVar contains an entry for this variant (Variation ID: 127404). Invitae Evidence Modeling of protein sequence and biophysical properties (such as structural, functional, and spatial information, amino acid conservation, physicochemical variation, residue mobility, and thermodynamic stability) indicates that this missense variant is expected to disrupt ATM protein function with a positive predictive value of 95%. RNA analysis performed to evaluate the impact of this missense change on mRNA splicing indicates it does not significantly alter splicing (internal data). In summary, the available evidence is currently insufficient to determine the role of this variant in disease. Therefore, it has been classified as a Variant of Uncertain Significance.

Color Diagnostics, LLC DBA Color Health
Classification: Uncertain significance for Hereditary cancer-predisposing syndrome. Last evaluated: 2025-05-07. Review status: criteria provided, single submitter. Criteria: ACMG Guidelines, 2015. Collection method: clinical testing. Allele origin: germline.
Comment: This missense variant replaces tryptophan with cysteine at codon 1750 of the ATM protein. Computational prediction suggests that this variant may have deleterious impact on protein structure and function. To our knowledge, functional studies have not been reported for this variant. This variant has not been reported in individuals affected with ATM-related disorders in the literature. This variant has not been identified in the general population by the Genome Aggregation Database (gnomAD). The available evidence is insufficient to determine the role of this variant in disease conclusively. Therefore, this variant is classified as a Variant of Uncertain Significance.

Ambry Genetics
Classification: Uncertain significance for Hereditary cancer-predisposing syndrome. Last evaluated: 2023-12-31. Review status: criteria provided, single submitter. Criteria: Ambry Variant Classification Scheme 2023. Collection method: clinical testing. Allele origin: germline.
Comment: The p.W1750C variant (also known as c.5250G>T), located in coding exon 34 of the ATM gene, results from a G to T substitution at nucleotide position 5250. The tryptophan at codon 1750 is replaced by cysteine, an amino acid with highly dissimilar properties. This amino acid position is highly conserved in available vertebrate species. In addition, this alteration is predicted to be deleterious by in silico analysis. Since supporting evidence is limited at this time, the clinical significance of this alteration remains unclear.

GeneDx
Classification: Uncertain significance. Last evaluated: 2013-11-27. Review status: criteria provided, single submitter. Criteria: GeneDx Variant Classification (06012015). Collection method: clinical testing. Allele origin: germline. Affected: yes.
Comment: This variant is denoted ATM c.5250G>T at the cDNA level, p.Trp1750Cys (W1750C) at the protein level, and results in the change of a Tryptophan to a Cysteine (TGG>TGT). This variant has not, to our knowledge, been published in the literature as pathogenic or benign. ATM Trp1750Cys was not observed in approximately 6,500 individuals of European and African American ancestry in the NHLBI Exome Sequencing Project, indicating it is not a common benign variant in these populations. This variant is a non-conservative substitution of a non-polar amino acid for a polar one, altering a position that is well conserved throughout evolution and is not located in a known functional domain. Multiple in silico algorithms predict that this variant may be damaging to protein structure and function. Based on currently available information, it is unclear whether ATM Trp1750Cys is a pathogenic variant or a rare benign variant.

NM_000051.4(ATM):c.5250G>T (p.Trp1750Cys)

Gene: ATM (ATM serine/threonine kinase; plus strand). Cytogenetic location: 11q22.3.
Variant type: single nucleotide variant.
Coding change: c.5250G>T on transcript NM_000051.4 (MANE Select); coding-DNA position 5250, G replaced by T.
Protein change: p.Trp1750Cys; replaces tryptophan 1750 with cysteine.
Molecular consequence: missense variant.
Genome position (GRCh38, 1-based): chr11:108,301,720, G>T. VCF-style: chr11-108301720-G-T. GRCh37 (hg19) VCF-style: chr11-108172447-G-T.
Other names: p.W1750C:TGG>TGT; c.5250G>T, p.Trp1750Cys (NM_001351834.2); short protein forms W1750C.
Identifiers: ClinVar variation 127404 (VCV000127404.18), dbSNP rs587779845, ClinGen allele CA286884.